The following is an entry in ClinVar:

ClinVar aggregate classification (germline): Uncertain significance (1 of 4 stars; one submission).

Allele frequency attached by ClinVar (database versions not stated): TOPMed below 0.00001.

Submission:

Labcorp Genetics (formerly Invitae), Labcorp
Classification: Uncertain significance. Last evaluated: 2023-11-20. Review status: criteria provided, single submitter. Criteria: Invitae Variant Classification Sherloc (09022015). Collection method: clinical testing. Allele origin: germline.
Comment: This sequence change affects codon 761 of the JAK2 mRNA. It is a 'silent' change, meaning that it does not change the encoded amino acid sequence of the JAK2 protein. It affects a nucleotide within the consensus splice site. This variant is not present in population databases (gnomAD no frequency). This variant has not been reported in the literature in individuals affected with JAK2-related conditions. Algorithms developed to predict the effect of sequence changes on RNA splicing suggest that this variant is not likely to affect RNA splicing. In summary, the available evidence is currently insufficient to determine the role of this variant in disease. Therefore, it has been classified as a Variant of Uncertain Significance.

NM_004972.4(JAK2):c.2283A>G (p.Arg761=)

Genes: INSL6 (insulin like 6; minus strand), JAK2 (Janus kinase 2; plus strand). Cytogenetic location: 9p24.1.
Variant type: single nucleotide variant.
Coding change: c.2283A>G on transcript NM_004972.4 (MANE Select); coding-DNA position 2283, A replaced by G.
Protein change: p.Arg761=; no amino-acid change (arginine 761 retained).
Molecular consequence: synonymous variant. On other transcripts: non-coding transcript variant (2).
Genome position (GRCh38, 1-based): chr9:5,080,380, A>G. VCF-style: chr9-5080380-A-G. GRCh37 (hg19) VCF-style: chr9-5080380-A-G.
Other names: c.2283A>G, p.Arg761= (NM_001322194.2, NM_001322195.2, NM_001322196.2); c.1068A>G, p.Arg356= (NM_001322198.2, NM_001322199.2); c.1836A>G, p.Arg612= (NM_001322204.2).
Identifiers: ClinVar variation 2808979 (VCV002808979.3), dbSNP rs1819603081, ClinGen allele CA463756339.